The following is an entry in ClinVar:

NC_012920.1(MT-ND1):m.3396T>C

Gene: MT-ND1 (mitochondrially encoded NADH dehydrogenase 1; plus strand).
Variant type: single nucleotide variant.
Genome position: chrM-3396-T-C.
Identifiers: ClinVar variation 235394 (VCV000235394.4), dbSNP rs374875201, ClinGen allele CA10581299.
Genomic context (GRCh38, chrMT:3,396, plus strand): 5'-TGTACCCATTCTAATCGCAATGGCATTCCTAATGCTTACCGAACGAAAAATTCTAGGCTA[T>C]ATACAACTACGCAAAGGCCCCAACGTTGTAGGCCCCTACGGGCTACTACAACCCTTCGCT-3'

ClinVar aggregate classification (germline): Likely benign. Review status: criteria provided, multiple submitters, no conflicts (2 of 4 stars). 2 submissions from 2 submitters: Likely benign (2). Last evaluated 2016-03-18.

Submissions (2):

Center for Pediatric Genomic Medicine, Children's Mercy Hospital and Clinics
Classification: Likely benign. Last evaluated: 2016-03-18. Review status: criteria provided, single submitter. Criteria: ACMG Guidelines, 2015. Collection method: clinical testing. Allele origin: germline.
ClinVar note: Converted during submission from Likely Benign to Likely benign.

Breakthrough Genomics
Classification: Likely benign. Review status: criteria provided, single submitter. Criteria: ACMG Guidelines, 2015. Collection method: not provided. Allele origin: germline. Inheritance: Unknown mechanism. Affected: yes.